The following is an entry in ClinVar:

ClinVar aggregate classification (germline): Likely benign. Review status: reviewed by expert panel (3 of 4 stars). 2 submissions from 2 submitters: Likely benign (1). 1 of the submissions does not count toward it. Last evaluated 2025-01-15.

Conditions:
Hereditary thrombocytopenia and hematologic cancer predisposition syndrome. Identifiers: Orphanet 71290, MedGen CN281654, MONDO:0011071.

Submissions (2):

ClinGen Myeloid Malignancy Variant Curation Expert Panel
Classification: Likely benign for Hereditary thrombocytopenia and hematologic cancer predisposition syndrome. Last evaluated: 2025-01-15. Review status: reviewed by expert panel. Criteria: ClinGen MyeloMalig ACMG Specifications v2. Collection method: curation. Allele origin: germline. Inheritance: Autosomal dominant inheritance.
Comment: NM_001754.5(RUNX1):c.805+12710T>A is an intronic variant which has a SpliceAI score ≤ 0.20 (0.0) (BP4). This variant has a SpliceAI score ≤ 0.20 (0.0) and evolutionary conservation prediction algorithms predict the site as not being conserved (PhyloP score ≤ 2.0 (1.29) (BP7). This variant is completely absent from all population databases with at least 20x coverage for RUNX1 (PM2_Supporting). In summary, this variant meets criteria to be classified as likely benign. ACMG/AMP criteria applied, as specified by the Myeloid Malignancy Variant Curation Expert Panel for RUNX1: BP4, BP7, PM2_supporting.

CeGaT Center for Human Genetics Tuebingen
Classification: Uncertain significance. Last evaluated: 2023-07-01. Review status: criteria provided, single submitter. Criteria: CeGaT Center For Human Genetics Tuebingen Variant Classification Criteria Version 2. Collection method: clinical testing. Allele origin: germline. Affected: yes. Observed: 1 variant allele. Not counted in ClinVar's aggregate classification.
Comment: RUNX1: PM2, BP4

NM_001754.5(RUNX1):c.805+12710T>A

Gene: RUNX1 (RUNX family transcription factor 1; minus strand). Cytogenetic location: 21q22.12.
Variant type: single nucleotide variant.
Coding change: c.805+12710T>A on transcript NM_001754.5 (MANE Select); 12710 bases into the intron after coding-DNA position 805, T replaced by A.
Molecular consequence: intron variant.
Genome position (GRCh38, 1-based): chr21:34,821,700, A>T on the plus strand (T>A on the coding strand, the complement: RUNX1 is on the minus strand). VCF-style: chr21-34821700-A-T. GRCh37 (hg19) VCF-style: chr21-36193997-A-T.
Other names: c.724+12710T>A (NM_001001890.3); c.725-4T>A (NM_001122607.2).
Identifiers: ClinVar variation 2652638 (VCV002652638.25), dbSNP rs2516968303, ClinGen allele CA2654378574.